The following is an entry in ClinVar:

ClinVar aggregate classification (germline): Uncertain significance (1 of 4 stars; one submission).

Conditions:
Schwartz-Jampel syndrome type 1 (SJS1). Also called: MYOTONIC MYOPATHY, DWARFISM, CHONDRODYSTROPHY, AND OCULAR AND FACIAL ABNORMALITIES; CHONDRODYSTROPHIC MYOTONIA. Identifiers: MedGen C4551479, MONDO:0100435, OMIM 255800.
Lethal Kniest-like syndrome (DDSH). Also called: Dyssegmental Dysplasia. Identifiers: Orphanet 1865, MedGen C1857100, MONDO:0009140, OMIM 224410.

Submission:

Juno Genomics, Hangzhou Juno Genomics, Inc
Classification: Uncertain significance for Lethal Kniest-like syndrome; Schwartz-Jampel syndrome type 1. Review status: criteria provided, single submitter. Criteria: ACMG Guidelines, 2015. Collection method: clinical testing. Allele origin: germline.
Comment: Absent from controls (or at extremely low frequency if recessive) in Genome Aggregation Database.;Multiple lines of computational evidence support a deleterious effect on the gene or gene product.

NM_005529.7(HSPG2):c.838G>T (p.Val280Phe)

Gene: HSPG2 (heparan sulfate proteoglycan 2; minus strand). Cytogenetic location: 1p36.12.
Variant type: single nucleotide variant.
Coding change: c.838G>T on transcript NM_005529.7 (MANE Select); coding-DNA position 838, G replaced by T.
Protein change: p.Val280Phe; replaces valine 280 with phenylalanine.
Molecular consequence: missense variant.
Genome position (GRCh38, 1-based): chr1:21,887,540, C>A on the plus strand (G>T on the coding strand, the complement: HSPG2 is on the minus strand). VCF-style: chr1-21887540-C-A. GRCh37 (hg19) VCF-style: chr1-22214033-C-A.
Other names: c.838G>T, p.Val280Phe (NM_001291860.2); short protein forms V280F.
Identifiers: ClinVar variation 5006098 (VCV005006098.2).